The following is an entry in ClinVar:

ClinVar aggregate classification (germline): Likely benign. Review status: criteria provided, multiple submitters, no conflicts (2 of 4 stars). 3 submissions from 3 submitters: Likely benign (3). Last evaluated 2025-03-04.

Conditions:
TCIRG1-related disorder. Also called: TCIRG1-related condition.

Allele frequency attached by ClinVar (database versions not stated): gnomAD 0.00001; TOPMed 0.00002.
gnomAD v4.1: 19 of 1,613,486 alleles (0.0012%); highest among the groups gnomAD compares: Non-Finnish European, 0.0015%; no homozygotes.

Submissions (3):

PreventionGenetics, part of Exact Sciences
Classification: Likely benign for TCIRG1-related condition. Last evaluated: 2025-03-04. Review status: criteria provided, single submitter. Criteria: ACMG Guidelines, 2015. Collection method: clinical testing. Allele origin: germline.
Comment: This variant is classified as likely benign based on ACMG/AMP sequence variant interpretation guidelines (Richards et al. 2015 PMID: 25741868, with internal and published modifications).

Labcorp Genetics (formerly Invitae), Labcorp
Classification: Likely benign. Last evaluated: 2025-01-13. Review status: criteria provided, single submitter. Criteria: Invitae Variant Classification Sherloc (09022015). Collection method: clinical testing. Allele origin: germline.

Blueprint Genetics
Classification: Likely benign. Last evaluated: 2024-09-25. Review status: criteria provided, single submitter. Criteria: ACMG Guidelines, 2015. Collection method: clinical testing. Allele origin: germline.

NM_006019.4(TCIRG1):c.2322C>G (p.Val774=)

Gene: TCIRG1 (T cell immune regulator 1, ATPase H+ transporting V0 subunit a3; plus strand). Cytogenetic location: 11q13.2.
Variant type: single nucleotide variant.
Coding change: c.2322C>G on transcript NM_006019.4 (MANE Select); coding-DNA position 2322, C replaced by G.
Protein change: p.Val774=; no amino-acid change (valine 774 retained).
Molecular consequence: synonymous variant.
Genome position (GRCh38, 1-based): chr11:68,050,572, C>G. VCF-style: chr11-68050572-C-G. GRCh37 (hg19) VCF-style: chr11-67818039-C-G.
Other names: c.1428C>G, p.Val476= (NM_001351059.2); c.1674C>G, p.Val558= (NM_006053.4); c.2322C>G (NM_006019.3).
Identifiers: ClinVar variation 1567932 (VCV001567932.11), dbSNP rs1375561345, ClinGen allele CA475514434.